The following is an entry in ClinVar:

NM_024408.4(NOTCH2):c.4895G>A (p.Cys1632Tyr)

Gene: NOTCH2 (notch receptor 2; minus strand). Cytogenetic location: 1p12.
Variant type: single nucleotide variant.
Coding change: c.4895G>A on transcript NM_024408.4 (MANE Select); coding-DNA position 4895, G replaced by A.
Protein change: p.Cys1632Tyr; replaces cysteine 1632 with tyrosine.
Molecular consequence: missense variant.
Genome position (GRCh38, 1-based): chr1:119,922,743, C>T on the plus strand (G>A on the coding strand, the complement: NOTCH2 is on the minus strand). VCF-style: chr1-119922743-C-T. GRCh37 (hg19) VCF-style: chr1-120465366-C-T.
Other names: short protein forms C1632Y.
Identifiers: ClinVar variation 2715491 (VCV002715491.3), dbSNP rs2101156398, ClinGen allele CA341888237.

ClinVar aggregate classification (germline): Uncertain significance (1 of 4 stars; one submission).

Conditions:
Hajdu-Cheney syndrome (HJCYS). Also called: ACROOSTEOLYSIS WITH OSTEOPOROSIS AND CHANGES IN SKULL AND MANDIBLE; SERPENTINE FIBULA-POLYCYSTIC KIDNEY SYNDROME; Acroosteolysis dominant type. Identifiers: Orphanet 955, MedGen C0917715, MONDO:0007057, OMIM 102500.

Submission:

Labcorp Genetics (formerly Invitae), Labcorp
Classification: Uncertain significance for Hajdu-Cheney syndrome. Last evaluated: 2023-02-27. Review status: criteria provided, single submitter. Criteria: Invitae Variant Classification Sherloc (09022015). Collection method: clinical testing. Allele origin: germline.
Comment: In summary, the available evidence is currently insufficient to determine the role of this variant in disease. Therefore, it has been classified as a Variant of Uncertain Significance. Advanced modeling of protein sequence and biophysical properties (such as structural, functional, and spatial information, amino acid conservation, physicochemical variation, residue mobility, and thermodynamic stability) has been performed at Invitae for this missense variant, however the output from this modeling did not meet the statistical confidence thresholds required to predict the impact of this variant on NOTCH2 protein function. This variant has not been reported in the literature in individuals affected with NOTCH2-related conditions. This variant is not present in population databases (gnomAD no frequency). This sequence change replaces cysteine, which is neutral and slightly polar, with tyrosine, which is neutral and polar, at codon 1632 of the NOTCH2 protein (p.Cys1632Tyr).